The following is an entry in ClinVar:

ClinVar aggregate classification (germline): Benign/Likely benign. Review status: criteria provided, multiple submitters, no conflicts (2 of 4 stars). 3 submissions from 3 submitters: Benign (2); Likely benign (1). Last evaluated 2026-02-01.

Conditions:
Kabuki syndrome. Also called: NIIKAWA-KUROKI SYNDROME; Kabuki make-up syndrome. Identifiers: Orphanet 2322, MedGen C0796004, MONDO:0016512.

Allele frequency attached by ClinVar (database versions not stated): TOPMed 0.00002; gnomAD 0.00003; gnomAD exomes 0.00117; ExAC 0.00133; 1000 Genomes Project 0.00140; 1000 Genomes Project 30x 0.00141.
gnomAD v4.1: 836 of 1,613,994 alleles (0.052%); highest among the groups gnomAD compares: South Asian, 0.85%; 16 homozygotes.

Submissions (3):

CeGaT Center for Human Genetics Tuebingen
Classification: Likely benign. Last evaluated: 2026-02-01. Review status: criteria provided, single submitter. Criteria: CeGaT Center For Human Genetics Tuebingen Variant Classification Criteria Version 2. Collection method: clinical testing. Allele origin: germline. Affected: yes. Observed: 1 variant allele.
Comment: KMT2D: BP4, BP7, BS2

Labcorp Genetics (formerly Invitae), Labcorp
Classification: Benign for Kabuki syndrome. Last evaluated: 2025-12-23. Review status: criteria provided, single submitter. Criteria: Invitae Variant Classification Sherloc (09022015). Collection method: clinical testing. Allele origin: germline.

GeneDx
Classification: Benign. Last evaluated: 2020-03-14. Review status: criteria provided, single submitter. Criteria: GeneDx Variant Classification Process June 2021. Collection method: clinical testing. Allele origin: germline. Affected: yes.

NM_003482.4(KMT2D):c.12084C>T (p.Thr4028=)

Gene: KMT2D (lysine methyltransferase 2D; minus strand). Cytogenetic location: 12q13.12.
Variant type: single nucleotide variant.
Coding change: c.12084C>T on transcript NM_003482.4 (MANE Select); coding-DNA position 12084, C replaced by T.
Protein change: p.Thr4028=; no amino-acid change (threonine 4028 retained).
Molecular consequence: synonymous variant.
Genome position (GRCh38, 1-based): chr12:49,032,621, G>A on the plus strand (C>T on the coding strand, the complement: KMT2D is on the minus strand). VCF-style: chr12-49032621-G-A. GRCh37 (hg19) VCF-style: chr12-49426404-G-A.
Identifiers: ClinVar variation 309023 (VCV000309023.16), dbSNP rs553360102, ClinGen allele CA6546249.